The following is an entry in ClinVar:

NM_005591.4(MRE11):c.302T>A (p.Phe101Tyr)

Gene: MRE11 (MRE11 double strand break repair nuclease; minus strand). Cytogenetic location: 11q21.
Variant type: single nucleotide variant.
Coding change: c.302T>A on transcript NM_005591.4 (MANE Select); coding-DNA position 302, T replaced by A.
Protein change: p.Phe101Tyr; replaces phenylalanine 101 with tyrosine.
Molecular consequence: missense variant.
Genome position (GRCh38, 1-based): chr11:94,485,936, A>T on the plus strand (T>A on the coding strand, the complement: MRE11 is on the minus strand). VCF-style: chr11-94485936-A-T. GRCh37 (hg19) VCF-style: chr11-94219102-A-T.
Other names: c.302T>A, p.Phe101Tyr (NM_001330347.2, NM_005590.4); short protein forms F101Y.
Identifiers: ClinVar variation 534773 (VCV000534773.10), dbSNP rs1555017179, ClinGen allele CA382379404.

ClinVar aggregate classification (germline): Uncertain significance (1 of 4 stars; one submission).

Conditions:
Ataxia-telangiectasia-like disorder (ATLD). Identifiers: MedGen C1858391, MONDO:0011457.

Submission:

Labcorp Genetics (formerly Invitae), Labcorp
Classification: Uncertain significance for Ataxia-telangiectasia-like disorder. Last evaluated: 2022-11-01. Review status: criteria provided, single submitter. Criteria: Invitae Variant Classification Sherloc (09022015). Collection method: clinical testing. Allele origin: germline.
Comment: ClinVar contains an entry for this variant (Variation ID: 534773). This variant has not been reported in the literature in individuals affected with MRE11-related conditions. In summary, the available evidence is currently insufficient to determine the role of this variant in disease. Therefore, it has been classified as a Variant of Uncertain Significance. Algorithms developed to predict the effect of missense changes on protein structure and function are either unavailable or do not agree on the potential impact of this missense change (SIFT: "Deleterious"; PolyPhen-2: "Probably Damaging"; Align-GVGD: "Class C15"). This variant is not present in population databases (gnomAD no frequency). This sequence change replaces phenylalanine, which is neutral and non-polar, with tyrosine, which is neutral and polar, at codon 101 of the MRE11 protein (p.Phe101Tyr).